The following is an entry in ClinVar:

NM_033056.4(PCDH15):c.4372_4390dup (p.Gln1464fs)

Gene: PCDH15 (protocadherin related 15; minus strand). Cytogenetic location: 10q21.1.
Variant type: Duplication.
Coding change: c.4372_4390dup on transcript NM_033056.4 (MANE Plus Clinical); coding-DNA positions 4372 to 4390, 19 bases duplicated (TTCCTTCTCTACCATTTTC).
Protein change: p.Gln1464fs; shifts the reading frame from glutamine 1464.
Molecular consequence: frameshift variant. On other transcripts: intron variant (8).
Genome position (GRCh38, 1-based): chr10:53,823,336-53,823,354, GAAAATGGTAGAGAAGGAA duplicated on the plus strand (TTCCTTCTCTACCATTTTC on the coding strand, the reverse complement: PCDH15 is on the minus strand). VCF-style (leftmost placement, unchanged base first): chr10-53823335-T-TGAAAATGGTAGAGAAGGAA. GRCh37 (hg19) VCF-style: chr10-55583095-T-TGAAAATGGTAGAGAAGGAA.
Other names: c.4252_4270dup, p.Gln1424fs (NM_001142767.2); c.4312_4330dup, p.Gln1444fs (NM_001142768.2); c.4303_4321dup, p.Gln1441fs (NM_001142773.2); c.4306_4324dup, p.Gln1442fs (NM_001354404.2); c.4367+4039_4367+4057dup (NM_001354420.2, NM_001354429.2); c.4368-3124_4368-3106dup (NM_001384140.1); c.4373+1782_4373+1800dup (NM_001142772.2, NM_001142770.3); c.4388+1782_4388+1800dup (NM_001142771.2); and 6 more; short protein forms Q1441fs, Q1442fs, Q1466fs, Q1424fs, Q1444fs, Q1471fs, Q1395fs, Q1461fs.
Identifiers: ClinVar variation 2091639 (VCV002091639.4), dbSNP rs1564540693, ClinGen allele CA918677536.

ClinVar aggregate classification (germline): Pathogenic (1 of 4 stars; one submission).

Submission:

Labcorp Genetics (formerly Invitae), Labcorp
Classification: Pathogenic. Last evaluated: 2022-03-20. Review status: criteria provided, single submitter. Criteria: Invitae Variant Classification Sherloc (09022015). Collection method: clinical testing. Allele origin: germline.
Comment: For these reasons, this variant has been classified as Pathogenic. This sequence change creates a premature translational stop signal (p.Gln1464Leufs*13) in the PCDH15 gene. While this is not anticipated to result in nonsense mediated decay, it is expected to disrupt the last 492 amino acid(s) of the PCDH15 protein. This variant is not present in population databases (gnomAD no frequency). This variant has not been reported in the literature in individuals affected with PCDH15-related conditions. Algorithms developed to predict the effect of sequence changes on RNA splicing suggest that this variant may disrupt the consensus splice site. This variant disrupts a region of the PCDH15 protein in which other variant(s) (p.Gln1576*) have been determined to be pathogenic (PMID: 28281779). This suggests that this is a clinically significant region of the protein, and that variants that disrupt it are likely to be disease-causing.

Literature cited by the submitters: PubMed 28281779.